The following is an entry in ClinVar:

NM_001243177.4(ALDOA):c.1249G>A (p.Ala417Thr)

Genes: ALDOA (aldolase, fructose-bisphosphate A; plus strand), LOC112694756 (uncharaterized LOC112694756; plus strand). Cytogenetic location: 16p11.2.
Variant type: single nucleotide variant.
Coding change: c.1249G>A on transcript NM_001243177.4 (MANE Select); coding-DNA position 1249, G replaced by A.
Protein change: p.Ala417Thr; replaces alanine 417 with threonine.
Molecular consequence: missense variant. On other transcripts: 3 prime UTR variant (3).
Genome position (GRCh38, 1-based): chr16:30,070,204, G>A. VCF-style: chr16-30070204-G-A. GRCh37 (hg19) VCF-style: chr16-30081525-G-A.
Other names: NM_000034.3:c.1087G>A; c.*1596G>A (NM_001365304.2, NM_001365305.2, NM_001365307.2); c.1087G>A, p.Ala363Thr (NM_001127617.2, NM_184041.5, NM_184043.2); short protein forms A363T, A417T.
Identifiers: ClinVar variation 4987233 (VCV004987233.1).

ClinVar aggregate classification (germline): Uncertain significance (1 of 4 stars; one submission).

Conditions:
ALDOA-related disorder. Also called: ALDOA-related condition.

gnomAD v4.1: 15 of 1,613,952 alleles (0.00093%); highest among the groups gnomAD compares: South Asian, 0.0033%; no homozygotes.

Submission:

PreventionGenetics, part of Exact Sciences
Classification: Uncertain significance for ALDOA-related condition. Last evaluated: 2026-07-26. Review status: criteria provided, single submitter. Criteria: ACMG Guidelines, 2015. Collection method: clinical testing. Allele origin: germline.
Comment: The ALDOA c.1087G>A variant is predicted to result in the amino acid substitution p.Ala363Thr. To our knowledge, this variant has not been reported in the literature. This variant is reported in 0.0065% of alleles in individuals of South Asian descent in gnomAD. At this time, the clinical significance of this variant is uncertain due to the absence of conclusive functional and genetic evidence.